The following continues an entry in ClinVar:

NM_000059.4(BRCA2):c.8525G>A (p.Arg2842His)

Gene: BRCA2. ClinVar aggregate classification (germline): Benign. Benign (1).

Submissions 19 to 21 of 21:

Department of Pathology and Laboratory Medicine, Sinai Health System
Classification: Likely benign for Malignant tumor of breast. Review status: no assertion criteria provided. Collection method: clinical testing. Allele origin: unknown. Affected: yes. Study: The Canadian Open Genetics Repository (COGR). Not counted in ClinVar's aggregate classification.
Comment: The BRCA2 p.Arg2842His variant was identified in 5 of 3552 proband chromosomes (frequency: 0.001) from individuals or families with breast or ovarian cancer (Chao 2016, Lee 2008, Martin 2001, Ng 2016). The variant was also identified in dbSNP (ID: rs80359105 as With Uncertain significance, other allele), ClinVar (13x as benign or likely benign, reviewed by an expert panel), LOVD 3.0 (17x between benign and inconclusive), UMD-LSDB (1 x as likely neutral), and ARUP Laboratories (as not pathogenic). The variant was not identified in Cosmic, MutDB, BIC Database, or Zhejiang University Database. The variant was identified in control databases in 16 of 276812 chromosomes at a frequency of 0.00006 (Genome Aggregation Database Feb 27, 2017). It was observed in the following populations: African in 1 of 24028 chromosomes (freq: 0.00004), Latino in 1 of 34416 chromosomes (freq: 0.00003), European Non-Finnish in 6 of 126350 chromosomes (freq: 0.00005), and East Asian in 8 of 18852 chromosomes (freq: 0.0004); it was not observed in the â€šÃ„ÃºOtherâ€šÃ„Ã¹, Ashkenazi Jewish, Finnish, and South Asian populations. One study showed homology-directed DNA repair activity by the p.Arg2842His variant (Guidugli 2018) and mathematical models predict that this variant is benign (Easton 2007, Lindor 2012). The p.Arg2842 residue is conserved in mammals and computational analyses (PolyPhen-2, SIFT, AlignGVGD, BLOSUM, MutationTaster) provide inconsistent predictions regarding the impact to the protein; this information is not reliably predictive of pathogenicity. The variant occurs outside of the splicing consensus sequence and in silico or computational prediction software programs (SpliceSiteFinder, MaxEntScan, NNSPLICE, GeneSplicer, HumanSpliceFinder) do not predict a difference in splicing. In summary, the clinical significance of this variant cannot be determined with certainty at this time, although the information currently available suggests a benign role for this variant. This variant is classified as likely benign.

Diagnostic Laboratory, Department of Genetics, University Medical Center Groningen
Classification: Benign for Breast-ovarian cancer, familial, susceptibility to, 2. Review status: no assertion criteria provided. Collection method: clinical testing. Allele origin: germline. Affected: yes. Study: VKGL Data-share Consensus. Not counted in ClinVar's aggregate classification.

Joint Genome Diagnostic Labs from Nijmegen and Maastricht, Radboudumc and MUMC+
Classification: Benign. Review status: no assertion criteria provided. Collection method: clinical testing. Allele origin: germline. Affected: yes. Study: VKGL Data-share Consensus. Not counted in ClinVar's aggregate classification.

Literature cited by the submitters: PubMed 21990134 (cited by 3 submitters); PubMed 19043619 (cited by Women's Health and Genetics/Laboratory Corporation of America, LabCorp and Counsyl); PubMed 18284688 (cited by Women's Health and Genetics/Laboratory Corporation of America, LabCorp and Counsyl); PubMed 21218378 (cited by Women's Health and Genetics/Laboratory Corporation of America, LabCorp and Counsyl); PubMed 11304778 (cited by Women's Health and Genetics/Laboratory Corporation of America, LabCorp and Counsyl); PubMed 14520696 (cited by Women's Health and Genetics/Laboratory Corporation of America, LabCorp); PubMed 26757417 (cited by Women's Health and Genetics/Laboratory Corporation of America, LabCorp); PubMed 30093976 (cited by Women's Health and Genetics/Laboratory Corporation of America, LabCorp); PubMed 29394989 (cited by Women's Health and Genetics/Laboratory Corporation of America, LabCorp and Ambry Genetics); PubMed 32444794 (cited by Women's Health and Genetics/Laboratory Corporation of America, LabCorp); PubMed 33471991 (cited by Women's Health and Genetics/Laboratory Corporation of America, LabCorp); PubMed 33609447 (cited by Women's Health and Genetics/Laboratory Corporation of America, LabCorp); PubMed 33964450 (cited by Women's Health and Genetics/Laboratory Corporation of America, LabCorp); PubMed 37922907 (cited by Women's Health and Genetics/Laboratory Corporation of America, LabCorp); PubMed 17924331 (cited by Ambry Genetics and Counsyl).